The following is an entry in ClinVar:

NM_138638.5(CFL2):c.312-3T>G

Gene: CFL2 (cofilin 2; minus strand). Cytogenetic location: 14q13.1.
Variant type: single nucleotide variant.
Coding change: c.312-3T>G on transcript NM_138638.5 (MANE Select); 3 bases into the intron before coding-DNA position 312, T replaced by G.
Molecular consequence: intron variant.
Genome position (GRCh38, 1-based): chr14:34,713,139, A>C on the plus strand (T>G on the coding strand, the complement: CFL2 is on the minus strand). VCF-style: chr14-34713139-A-C. GRCh37 (hg19) VCF-style: chr14-35182345-A-C.
Other names: c.261-3T>G (NM_001243645.2); c.312-3T>G (NM_021914.8).
Identifiers: ClinVar variation 953422 (VCV000953422.9), dbSNP rs1885369430, ClinGen allele CA1139663440.
Genomic context (GRCh38, chr14:34,713,139, plus strand): 5'-GGCATCTTTAGAGCTAGCATAAATCATCTTGCTTTTTAAAGGTGCACTTTCAGGAGCCCT[A>C]CAGAAAAAAAAAAAATTATTGAATCCCATTTATAAGAAAAACAAAGGTAAGACTGACTAT-3'

ClinVar aggregate classification (germline): Uncertain significance (1 of 4 stars; one submission).

Conditions:
Nemaline myopathy 7 (NEM7). Also called: Nemaline myopathy 7, autosomal recessive. Identifiers: Orphanet 171436, MedGen C1853154, MONDO:0012538, OMIM 610687.

Submission:

Labcorp Genetics (formerly Invitae), Labcorp
Classification: Uncertain significance for Nemaline myopathy 7. Last evaluated: 2019-08-03. Review status: criteria provided, single submitter. Criteria: Invitae Variant Classification Sherloc (09022015). Collection method: clinical testing. Allele origin: germline.
Comment: In summary, the available evidence is currently insufficient to determine the role of this variant in disease. Therefore, it has been classified as a Variant of Uncertain Significance. Nucleotide substitutions within the consensus splice site are a relatively common cause of aberrant splicing (PMID: 17576681, 9536098). Algorithms developed to predict the effect of sequence changes on RNA splicing suggest that this variant may disrupt the consensus splice site, but this prediction has not been confirmed by published transcriptional studies. This variant has not been reported in the literature in individuals with CFL2-related conditions. This variant is not present in population databases (ExAC no frequency). This sequence change falls in intron 2 of the CFL2 gene. It does not directly change the encoded amino acid sequence of the CFL2 protein, but it affects a nucleotide within the consensus splice site of the intron.

Literature cited by the submitters: PubMed 17576681; PubMed 9536098.